The following is an entry in ClinVar:

ClinVar aggregate classification (germline): Conflicting classifications of pathogenicity. Review status: criteria provided, conflicting classifications (1 of 4 stars). 5 submissions from 5 submitters: Uncertain significance (4); Likely benign (1). Last evaluated 2026-07-21.

Conditions:
Progressive myoclonic epilepsy. Also called: Familial progressive myoclonic epilepsy; Myoclonic Epilepsies, Progressive; Progressive myoclonus epilepsy; Myoclonus epilepsy. Identifiers: Orphanet 308, Orphanet 98261, MedGen C0751778, MONDO:0020074.
Lafora disease. Also called: Epilepsy progressive myoclonic 2; Progressive Myoclonus Epilepsy, Lafora Type. Identifiers: Orphanet 501, MedGen C0751783, MONDO:0009697.
Inborn genetic diseases. Identifiers: MedGen C0950123, MeSH D030342.

Allele frequency attached by ClinVar (database versions not stated): 1000 Genomes Project 30x 0.00031; ExAC 0.00015; gnomAD exomes 0.00027; gnomAD 0.00032; 1000 Genomes Project 0.00040; TOPMed 0.00047.
gnomAD v4.1: 323 of 1,484,874 alleles (0.022%); highest among the groups gnomAD compares: Admixed American, 0.11%; 1 homozygote.

Submissions (5):

Ambry Genetics
Classification: Likely benign for Inborn genetic diseases. Last evaluated: 2026-07-21. Review status: criteria provided, single submitter. Criteria: Ambry Variant Classification Scheme 2023. Collection method: clinical testing. Allele origin: germline.

GeneDx
Classification: Uncertain significance. Last evaluated: 2025-06-24. Review status: criteria provided, single submitter. Criteria: GeneDx Variant Classification Process June 2021. Collection method: clinical testing. Allele origin: germline. Affected: yes.
Comment: In silico analysis suggests that this missense variant does not alter protein structure/function; Has not been previously published as pathogenic or benign to our knowledge

Labcorp Genetics (formerly Invitae), Labcorp
Classification: Uncertain significance for Progressive myoclonic epilepsy. Last evaluated: 2022-10-25. Review status: criteria provided, single submitter. Criteria: Invitae Variant Classification Sherloc (09022015). Collection method: clinical testing. Allele origin: germline.
Comment: This sequence change replaces glutamic acid, which is acidic and polar, with glutamine, which is neutral and polar, at codon 70 of the EPM2A protein (p.Glu70Gln). This variant is present in population databases (rs550455609, gnomAD 0.05%). This variant has not been reported in the literature in individuals affected with EPM2A-related conditions. ClinVar contains an entry for this variant (Variation ID: 265122). Algorithms developed to predict the effect of missense changes on protein structure and function (SIFT, PolyPhen-2, Align-GVGD) all suggest that this variant is likely to be tolerated. In summary, the available evidence is currently insufficient to determine the role of this variant in disease. Therefore, it has been classified as a Variant of Uncertain Significance.

Mayo Clinic Laboratories, Mayo Clinic
Classification: Uncertain significance. Last evaluated: 2021-12-21. Review status: criteria provided, single submitter. Criteria: ACMG Guidelines, 2015. Collection method: clinical testing. Allele origin: germline.

ARUP Laboratories, Molecular Genetics and Genomics, ARUP Laboratories
Classification: Uncertain significance for Myoclonic epilepsy of Lafora 1. Last evaluated: 2021-10-21. Review status: criteria provided, single submitter. Criteria: ARUP Molecular Germline Variant Investigation Process 2021. Collection method: clinical testing. Allele origin: germline.

NM_005670.4(EPM2A):c.208G>C (p.Glu70Gln)

Genes: EPM2A (EPM2A glucan phosphatase, laforin; minus strand), EPM2A-DT (EPM2A divergent transcript; plus strand), LOC129997381 (ATAC-STARR-seq lymphoblastoid silent region 17642; plus strand). Cytogenetic location: 6q24.3.
Variant type: single nucleotide variant.
Coding change: c.208G>C on transcript NM_005670.4 (MANE Select); coding-DNA position 208, G replaced by C.
Protein change: p.Glu70Gln; replaces glutamic acid 70 with glutamine.
Molecular consequence: missense variant. On other transcripts: 5 prime UTR variant (3), intron variant (1).
Genome position (GRCh38, 1-based): chr6:145,735,291, C>G on the plus strand (G>C on the coding strand, the complement: EPM2A is on the minus strand). VCF-style: chr6-145735291-C-G. GRCh37 (hg19) VCF-style: chr6-146056427-C-G.
Other names: p.Glu70Gln; c.208G>C, p.Glu70Gln (NM_001018041.2, NM_001360057.2, NM_001368130.1); c.-462G>C (NM_001360071.2); c.-416G>C (NM_001368129.2); c.-160G>C (NM_001368131.1); c.-114+617G>C (NM_001360064.2); short protein forms E70Q.
Identifiers: ClinVar variation 265122 (VCV000265122.26), dbSNP rs550455609, ClinGen allele CA4035236.
Genomic context (GRCh38, chr6:145,735,291, plus strand): 5'-TCAGGAACTTGTACCAGAACGTGTCCACGCGGCCCGGCTCCGCCCCGTCCTGCGCCGCCT[C>G]CTCGGCCGCCAGCTCCACCTCCCCGAGCCACAGGCCCGGCTCCTGCAGGGCCAGGGCCCC-3'
Protein context (NP_005661.1, residues 60-80): WLGEVELAAE[Glu70Gln]AAQDGAEPGR